The following is an entry in ClinVar:

ClinVar aggregate classification (germline): Uncertain significance (1 of 4 stars; one submission).

Submission:

ARUP Laboratories, Molecular Genetics and Genomics, ARUP Laboratories
Classification: Uncertain significance. Last evaluated: 2024-04-03. Review status: criteria provided, single submitter. Criteria: ARUP Molecular Germline Variant Investigation Process 2024. Collection method: clinical testing. Allele origin: germline.
Comment: The COL1A1 c.1942C>T; p.Pro648Ser variant, to our knowledge, is not reported in the medical literature or gene specific databases. This variant is also absent from the Genome Aggregation Database (v2.1.1), indicating it is not a common polymorphism. Computational analyses predict that this variant is deleterious (REVEL: 0.703). However, given the lack of clinical and functional data, the significance of this variant is uncertain at this time.

NM_000088.4(COL1A1):c.1942C>T (p.Pro648Ser)

Gene: COL1A1 (collagen type I alpha 1 chain; minus strand). Cytogenetic location: 17q21.33.
Variant type: single nucleotide variant.
Coding change: c.1942C>T on transcript NM_000088.4 (MANE Select); coding-DNA position 1942, C replaced by T.
Protein change: p.Pro648Ser; replaces proline 648 with serine.
Molecular consequence: missense variant.
Genome position (GRCh38, 1-based): chr17:50,192,516, G>A on the plus strand (C>T on the coding strand, the complement: COL1A1 is on the minus strand). VCF-style: chr17-50192516-G-A. GRCh37 (hg19) VCF-style: chr17-48269877-G-A.
Other names: short protein forms P648S.
Identifiers: ClinVar variation 3766543 (VCV003766543.1).
Genomic context (GRCh38, chr17:50,192,516, plus strand): 5'-GCCGGCTGCTCCCTCTTACCTGTTCACCAGGTTTGCCTGCTTCACCTGGAGGACCAGCAG[G>A]ACCAGGGAGACCCTGTAGGTGGGAAATGGGGGAAGAAGGGAGGGAAGGTTTAGAATCTGG-3'
Protein context (NP_000079.2, residues 638-658): GSPGFQGLPG[Pro648Ser]AGPPGEAGKP